The following is an entry in ClinVar:

NM_000038.6(APC):c.4540C>G (p.Pro1514Ala)

Gene: APC (APC regulator of Wnt signaling pathway; plus strand). Cytogenetic location: 5q22.2.
Variant type: single nucleotide variant.
Coding change: c.4540C>G on transcript NM_000038.6 (MANE Select); coding-DNA position 4540, C replaced by G.
Protein change: p.Pro1514Ala; replaces proline 1514 with alanine.
Molecular consequence: missense variant.
Genome position (GRCh38, 1-based): chr5:112,840,134, C>G. VCF-style: chr5-112840134-C-G. GRCh37 (hg19) VCF-style: chr5-112175831-C-G.
Other names: c.4540C>G, p.Pro1514Ala (NM_001127510.3, NM_001354895.2); c.4486C>G, p.Pro1496Ala (NM_001127511.3); c.4594C>G, p.Pro1532Ala (NM_001354896.2); c.4570C>G, p.Pro1524Ala (NM_001354897.2); c.4465C>G, p.Pro1489Ala (NM_001354898.2); c.4456C>G, p.Pro1486Ala (NM_001354899.2); c.4417C>G, p.Pro1473Ala (NM_001354900.2); c.4363C>G, p.Pro1455Ala (NM_001354901.2); and 5 more; short protein forms P1496A, P1514A, P1231A, P1354A, P1423A, P1473A, P1489A, P1524A.
Identifiers: ClinVar variation 482360 (VCV000482360.14), dbSNP rs1060503266, ClinGen allele CA16031265.
Genomic context (GRCh38, chr5:112,840,134, plus strand): 5'-GAAAGTACTCCAGATGGATTTTCTTGTTCATCCAGCCTGAGTGCTCTGAGCCTCGATGAG[C>G]CATTTATACAGAAAGATGTGGAATTAAGAATAATGCCTCCAGTTCAGGAAAATGACAATG-3'
Protein context (NP_000029.2, residues 1504-1524): SSLSALSLDE[Pro1514Ala]FIQKDVELRI

ClinVar aggregate classification (germline): Uncertain significance. Review status: criteria provided, multiple submitters, no conflicts (2 of 4 stars). 2 submissions from 2 submitters: Uncertain significance (2). Last evaluated 2025-11-05.

Conditions:
Hereditary cancer-predisposing syndrome. Also called: Neoplastic Syndromes, Hereditary; Tumor predisposition; Hereditary Cancer Syndrome; Hereditary neoplastic syndrome. Identifiers: Orphanet 140162, MedGen C0027672, MeSH D009386, MONDO:0015356.
Familial adenomatous polyposis 1 (FAP1). Also called: FAMILIAL ADENOMATOUS POLYPOSIS 1, ATTENUATED; POLYPOSIS, ADENOMATOUS INTESTINAL. Identifiers: MedGen C2713442, MONDO:0021056, OMIM 175100. Disease mechanism: loss of function.

Submissions (2):

Labcorp Genetics (formerly Invitae), Labcorp
Classification: Uncertain significance for Familial adenomatous polyposis 1. Last evaluated: 2025-11-05. Review status: criteria provided, single submitter. Criteria: Invitae Variant Classification Sherloc (09022015). Collection method: clinical testing. Allele origin: germline.
Comment: This sequence change replaces proline, which is neutral and non-polar, with alanine, which is neutral and non-polar, at codon 1514 of the APC protein (p.Pro1514Ala). This variant is not present in population databases (gnomAD no frequency). This variant has not been reported in the literature in individuals affected with APC-related conditions. ClinVar contains an entry for this variant (Variation ID: 482360). Invitae Evidence Modeling of protein sequence and biophysical properties (such as structural, functional, and spatial information, amino acid conservation, physicochemical variation, residue mobility, and thermodynamic stability) indicates that this missense variant is not expected to disrupt APC protein function with a negative predictive value of 95%. In summary, the available evidence is currently insufficient to determine the role of this variant in disease. Therefore, it has been classified as a Variant of Uncertain Significance.

Ambry Genetics
Classification: Uncertain significance for Hereditary cancer-predisposing syndrome. Last evaluated: 2023-02-06. Review status: criteria provided, single submitter. Criteria: Ambry Variant Classification Scheme 2023. Collection method: clinical testing. Allele origin: germline.
Comment: The p.P1514A variant (also known as c.4540C>G), located in coding exon 15 of the APC gene, results from a C to G substitution at nucleotide position 4540. The proline at codon 1514 is replaced by alanine, an amino acid with highly similar properties. This amino acid position is highly conserved in available vertebrate species. In addition, in silico predictors for this gene do not accurately predict pathogenicity. Since supporting evidence is limited at this time, the clinical significance of this alteration remains unclear.